The following is an entry in ClinVar:

NM_181882.3(PRX):c.904T>C (p.Ser302Pro)

Gene: PRX (periaxin; minus strand). Cytogenetic location: 19q13.2.
Variant type: single nucleotide variant.
Coding change: c.904T>C on transcript NM_181882.3 (MANE Select); coding-DNA position 904, T replaced by C.
Protein change: p.Ser302Pro; replaces serine 302 with proline.
Molecular consequence: missense variant. On other transcripts: 3 prime UTR variant (1).
Genome position (GRCh38, 1-based): chr19:40,397,448, A>G on the plus strand (T>C on the coding strand, the complement: PRX is on the minus strand). VCF-style: chr19-40397448-A-G. GRCh37 (hg19) VCF-style: chr19-40903355-A-G.
Other names: c.1189T>C, p.Ser397Pro (NM_001411127.1); c.*1109T>C (NM_020956.2); short protein forms S302P, S397P.
Identifiers: ClinVar variation 2151572 (VCV002151572.4), dbSNP rs2514808091, ClinGen allele CA405899456.
Genomic context (GRCh38, chr19:40,397,448, plus strand): 5'-CTACCGACACAGCCCCTTCCCGGGTCTCTAGGCAGGGAAGTGTGGGCAGAGTGGGCAGTG[A>G]GGGCAAGGCAGGCAGCTCCACCTGGGGGACCTGGATTCCCACGGCTGGGGCCTCCACAGC-3'
Protein context (NP_870998.2, residues 292-312): VPQVELPALP[Ser302Pro]LPTLPTLPCL

ClinVar aggregate classification (germline): Uncertain significance (1 of 4 stars; one submission).

Conditions:
Charcot-Marie-Tooth disease type 4. Also called: Charcot-Marie-Tooth disease, type IV; Charcot-Marie-Tooth, Type 4. Identifiers: Orphanet 64749, MedGen C4082197, MONDO:0018995.

gnomAD v4.1: 2 of 1,591,374 alleles (0.00013%); highest among the groups gnomAD compares: Non-Finnish European, 0.00017%; no homozygotes.

Submission:

Labcorp Genetics (formerly Invitae), Labcorp
Classification: Uncertain significance for Charcot-Marie-Tooth disease type 4. Last evaluated: 2022-09-19. Review status: criteria provided, single submitter. Criteria: Invitae Variant Classification Sherloc (09022015). Collection method: clinical testing. Allele origin: germline.
Comment: Algorithms developed to predict the effect of missense changes on protein structure and function are either unavailable or do not agree on the potential impact of this missense change (SIFT: "Deleterious"; PolyPhen-2: "Possibly Damaging"; Align-GVGD: "Class C0"). In summary, the available evidence is currently insufficient to determine the role of this variant in disease. Therefore, it has been classified as a Variant of Uncertain Significance. This variant has not been reported in the literature in individuals affected with PRX-related conditions. This variant is not present in population databases (gnomAD no frequency). This sequence change replaces serine, which is neutral and polar, with proline, which is neutral and non-polar, at codon 302 of the PRX protein (p.Ser302Pro).